The following is an entry in ClinVar:

NM_017617.5(NOTCH1):c.6944A>G (p.Gln2315Arg)

Gene: NOTCH1 (notch receptor 1; minus strand). Cytogenetic location: 9q34.3.
Variant type: single nucleotide variant.
Coding change: c.6944A>G on transcript NM_017617.5 (MANE Select); coding-DNA position 6944, A replaced by G.
Protein change: p.Gln2315Arg; replaces glutamine 2315 with arginine.
Molecular consequence: missense variant.
Genome position (GRCh38, 1-based): chr9:136,496,795, T>C on the plus strand (A>G on the coding strand, the complement: NOTCH1 is on the minus strand). VCF-style: chr9-136496795-T-C. GRCh37 (hg19) VCF-style: chr9-139391247-T-C.
Other names: short protein forms Q2315R.
Identifiers: ClinVar variation 1700999 (VCV001700999.2), dbSNP rs1842922417, ClinGen allele CA375629650.

ClinVar aggregate classification (germline): Uncertain significance (1 of 4 stars; one submission).

Submission:

GeneDx
Classification: Uncertain significance. Last evaluated: 2022-02-14. Review status: criteria provided, single submitter. Criteria: GeneDx Variant Classification Process June 2021. Collection method: clinical testing. Allele origin: germline. Affected: yes.
Comment: Not observed at significant frequency in large population cohorts (gnomAD); In silico analysis supports that this missense variant does not alter protein structure/function; Has not been previously published as pathogenic or benign to our knowledge